The following is an entry in ClinVar:

ClinVar aggregate classification (germline): Uncertain significance. Review status: criteria provided, multiple submitters, no conflicts (2 of 4 stars). 3 submissions from 3 submitters: Uncertain significance (3). Last evaluated 2023-07-08.

Conditions:
Congenital contractural arachnodactyly (CCA). Also called: BEALS SYNDROME; Beals-Hecht syndrome; Arthrogryposis, distal, type 9. Identifiers: Orphanet 115, MedGen C0220668, MONDO:0007363, OMIM 121050.

Submissions (3):

Labcorp Genetics (formerly Invitae), Labcorp
Classification: Uncertain significance for Congenital contractural arachnodactyly. Last evaluated: 2023-07-08. Review status: criteria provided, single submitter. Criteria: Invitae Variant Classification Sherloc (09022015). Collection method: clinical testing. Allele origin: germline.
Comment: In summary, the available evidence is currently insufficient to determine the role of this variant in disease. Therefore, it has been classified as a Variant of Uncertain Significance. Advanced modeling of protein sequence and biophysical properties (such as structural, functional, and spatial information, amino acid conservation, physicochemical variation, residue mobility, and thermodynamic stability) has been performed at Invitae for this missense variant, however the output from this modeling did not meet the statistical confidence thresholds required to predict the impact of this variant on FBN2 protein function. ClinVar contains an entry for this variant (Variation ID: 1677666). This variant has not been reported in the literature in individuals affected with FBN2-related conditions. This variant is not present in population databases (gnomAD no frequency). This sequence change replaces lysine, which is basic and polar, with asparagine, which is neutral and polar, at codon 725 of the FBN2 protein (p.Lys725Asn).

Revvity Omics, Revvity
Classification: Uncertain significance. Last evaluated: 2023-02-21. Review status: criteria provided, single submitter. Criteria: ACMG Guidelines, 2015. Collection method: clinical testing. Allele origin: germline.

AiLife Diagnostics
Classification: Uncertain significance. Last evaluated: 2021-11-30. Review status: criteria provided, single submitter. Criteria: ACMG Guidelines, 2015. Collection method: clinical testing. Allele origin: germline. Affected: yes. Observed: 1 variant allele.

NM_001999.4(FBN2):c.2175G>C (p.Lys725Asn)

Gene: FBN2 (fibrillin 2; minus strand). Cytogenetic location: 5q23.3.
Variant type: single nucleotide variant.
Coding change: c.2175G>C on transcript NM_001999.4 (MANE Select); coding-DNA position 2175, G replaced by C.
Protein change: p.Lys725Asn; replaces lysine 725 with asparagine.
Molecular consequence: missense variant.
Genome position (GRCh38, 1-based): chr5:128,369,255, C>G on the plus strand (G>C on the coding strand, the complement: FBN2 is on the minus strand). VCF-style: chr5-128369255-C-G. GRCh37 (hg19) VCF-style: chr5-127704948-C-G.
Other names: short protein forms K725N.
Identifiers: ClinVar variation 1677666 (VCV001677666.6), dbSNP rs2126947449, ClinGen allele CA360739064.